The following is an entry in ClinVar:

NM_000038.6(APC):c.7660C>T (p.His2554Tyr)

Gene: APC (APC regulator of Wnt signaling pathway; plus strand). Cytogenetic location: 5q22.2.
Variant type: single nucleotide variant.
Coding change: c.7660C>T on transcript NM_000038.6 (MANE Select); coding-DNA position 7660, C replaced by T.
Protein change: p.His2554Tyr; replaces histidine 2554 with tyrosine.
Molecular consequence: missense variant.
Genome position (GRCh38, 1-based): chr5:112,843,254, C>T. VCF-style: chr5-112843254-C-T. GRCh37 (hg19) VCF-style: chr5-112178951-C-T.
Other names: c.7660C>T, p.His2554Tyr (NM_001127510.3, NM_001354895.2); c.7606C>T, p.His2536Tyr (NM_001127511.3); c.7714C>T, p.His2572Tyr (NM_001354896.2); c.7690C>T, p.His2564Tyr (NM_001354897.2); c.7585C>T, p.His2529Tyr (NM_001354898.2); c.7576C>T, p.His2526Tyr (NM_001354899.2); c.7537C>T, p.His2513Tyr (NM_001354900.2); c.7483C>T, p.His2495Tyr (NM_001354901.2); and 5 more; short protein forms H2536Y, H2554Y, H2271Y, H2463Y, H2495Y, H2526Y, H2572Y, H2428Y.
Identifiers: ClinVar variation 537428 (VCV000537428.18), dbSNP rs1213302882, ClinGen allele CA16037974.

ClinVar aggregate classification (germline): Uncertain significance. Review status: criteria provided, multiple submitters, no conflicts (2 of 4 stars). 3 submissions from 3 submitters: Uncertain significance (3). Last evaluated 2025-08-04.

Conditions:
Hereditary cancer-predisposing syndrome. Also called: Tumor predisposition; Hereditary Cancer Syndrome; Hereditary neoplastic syndrome; Neoplastic Syndromes, Hereditary. Identifiers: Orphanet 140162, MedGen C0027672, MeSH D009386, MONDO:0015356.
Classic or attenuated familial adenomatous polyposis. Identifiers: MedGen CN372698, MONDO:0021057.
Familial adenomatous polyposis 1 (FAP1). Also called: FAMILIAL ADENOMATOUS POLYPOSIS 1, ATTENUATED; POLYPOSIS, ADENOMATOUS INTESTINAL. Identifiers: MedGen C2713442, MONDO:0021056, OMIM 175100. Disease mechanism: loss of function.

Allele frequency attached by ClinVar (database versions not stated): TOPMed below 0.00001.
gnomAD v4.1: 2 of 1,613,750 alleles (0.00012%); highest among the groups gnomAD compares: African/African-American, 0.0013%; no homozygotes.

Submissions (3):

Labcorp Genetics (formerly Invitae), Labcorp
Classification: Uncertain significance for Familial adenomatous polyposis 1. Last evaluated: 2025-08-04. Review status: criteria provided, single submitter. Criteria: Invitae Variant Classification Sherloc (09022015). Collection method: clinical testing. Allele origin: germline.
Comment: This sequence change replaces histidine, which is basic and polar, with tyrosine, which is neutral and polar, at codon 2554 of the APC protein (p.His2554Tyr). This variant is not present in population databases (gnomAD no frequency). This variant has not been reported in the literature in individuals affected with APC-related conditions. ClinVar contains an entry for this variant (Variation ID: 537428). Invitae Evidence Modeling of protein sequence and biophysical properties (such as structural, functional, and spatial information, amino acid conservation, physicochemical variation, residue mobility, and thermodynamic stability) indicates that this missense variant is not expected to disrupt APC protein function with a negative predictive value of 95%. In summary, the available evidence is currently insufficient to determine the role of this variant in disease. Therefore, it has been classified as a Variant of Uncertain Significance.

Ambry Genetics
Classification: Uncertain significance for Hereditary cancer-predisposing syndrome. Last evaluated: 2024-07-23. Review status: criteria provided, single submitter. Criteria: Ambry Variant Classification Scheme 2023. Collection method: clinical testing. Allele origin: germline.
Comment: The p.H2554Y variant (also known as c.7660C>T), located in coding exon 15 of the APC gene, results from a C to T substitution at nucleotide position 7660. The histidine at codon 2554 is replaced by tyrosine, an amino acid with similar properties. This amino acid position is highly conserved in available vertebrate species. In addition, in silico predictors for this gene do not accurately predict pathogenicity. Missense alterations in APC are not a common cause of disease (Spier I et al. Genet Med. 2024 Feb;26(2):100992). Based on the available evidence, the clinical significance of this variant remains unclear.

All of Us Research Program, National Institutes of Health
Classification: Uncertain significance for Classic or attenuated familial adenomatous polyposis. Last evaluated: 2023-08-08. Review status: criteria provided, single submitter. Criteria: ACMG Guidelines, 2015. Collection method: clinical testing. Allele origin: germline. Inheritance: Autosomal dominant inheritance. Observed: 1 variant allele, 1 heterozygote.
Comment: This missense variant replaces histidine with tyrosine at codon 2554 of the APC protein. Computational prediction suggests that this variant may not impact protein structure and function (internally defined REVEL score threshold <= 0.5, PMID: 27666373). To our knowledge, functional studies have not been reported for this variant. This variant has not been reported in individuals affected with APC-related disorders in the literature. This variant has not been identified in the general population by the Genome Aggregation Database (gnomAD). The available evidence is insufficient to determine the role of this variant in disease conclusively. Therefore, this variant is classified as a Variant of Uncertain Significance.

This study involves interpretation of variants in research participants for the purpose of population health screening. Participant phenotype was not available at the time of variant classification. Additional details can be found in publication PMID: 35346344, PMCID: PMC8962531